The following is an entry in ClinVar:

ClinVar aggregate classification (germline): Uncertain significance (1 of 4 stars; one submission).

Submission:

Labcorp Genetics (formerly Invitae), Labcorp
Classification: Uncertain significance. Last evaluated: 2022-08-21. Review status: criteria provided, single submitter. Criteria: Invitae Variant Classification Sherloc (09022015). Collection method: clinical testing. Allele origin: germline.
Comment: This sequence change replaces alanine, which is neutral and non-polar, with valine, which is neutral and non-polar, at codon 3087 of the UNC80 protein (p.Ala3087Val). This variant is not present in population databases (gnomAD no frequency). This variant has not been reported in the literature in individuals affected with UNC80-related conditions. Algorithms developed to predict the effect of missense changes on protein structure and function are either unavailable or do not agree on the potential impact of this missense change (SIFT: "Not Available"; PolyPhen-2: "Probably Damaging"; Align-GVGD: "Not Available"). In summary, the available evidence is currently insufficient to determine the role of this variant in disease. Therefore, it has been classified as a Variant of Uncertain Significance.

NM_001371986.1(UNC80):c.9458C>T (p.Ala3153Val)

Gene: UNC80 (unc-80 homolog, NALCN channel complex subunit; plus strand). Cytogenetic location: 2q34.
Variant type: single nucleotide variant.
Coding change: c.9458C>T on transcript NM_001371986.1 (MANE Select); coding-DNA position 9458, C replaced by T.
Protein change: p.Ala3153Val; replaces alanine 3153 with valine.
Molecular consequence: missense variant.
Genome position (GRCh38, 1-based): chr2:209,993,376, C>T. VCF-style: chr2-209993376-C-T. GRCh37 (hg19) VCF-style: chr2-210858100-C-T.
Other names: c.9260C>T, p.Ala3087Val (NM_032504.2); c.9188C>T, p.Ala3063Val (NM_182587.4); short protein forms A3063V, A3087V, A3153V.
Identifiers: ClinVar variation 1717393 (VCV001717393.3), dbSNP rs2471266305, ClinGen allele CA350415569.